The following is an entry in ClinVar:

NM_001077350.3(NPRL3):c.127C>T (p.Arg43Cys)

Genes: HBA-LCR (alpha-globin locus control region; plus strand), NPRL3 (NPR3 like, GATOR1 complex subunit; minus strand). Cytogenetic location: 16p13.3.
Variant type: single nucleotide variant.
Coding change: c.127C>T on transcript NM_001077350.3 (MANE Select); coding-DNA position 127, C replaced by T.
Protein change: p.Arg43Cys; replaces arginine 43 with cysteine.
Molecular consequence: missense variant. On other transcripts: 5 prime UTR variant (2).
Genome position (GRCh38, 1-based): chr16:130,583, G>A on the plus strand (C>T on the coding strand, the complement: NPRL3 is on the minus strand). VCF-style: chr16-130583-G-A. GRCh37 (hg19) VCF-style: chr16-180582-G-A.
Other names: c.-206C>T (NM_001039476.3); c.-245C>T (NM_001243247.2); c.127C>T, p.Arg43Cys (NM_001243248.2, NM_001243249.2); c.127C>T (NM_001077350.2); short protein forms R43C.
Identifiers: ClinVar variation 1000061 (VCV001000061.12), dbSNP rs770318147, ClinGen allele CA7769767.

ClinVar aggregate classification (germline): Uncertain significance. Review status: criteria provided, multiple submitters, no conflicts (2 of 4 stars). 3 submissions from 3 submitters: Uncertain significance (3). Last evaluated 2025-07-15.

Conditions:
NPRL3-related disorder. Also called: NPRL3-related condition.
Inborn genetic diseases. Identifiers: MedGen C0950123, MeSH D030342.
Epilepsy, familial focal, with variable foci 3 (FFEVF3). Identifiers: MedGen C4310708, MONDO:0014925, OMIM 617118.

Allele frequency attached by ClinVar (database versions not stated): gnomAD 0.00002; TOPMed 0.00002; ExAC 0.00005.
gnomAD v4.1: 26 of 1,554,328 alleles (0.0017%); highest among the groups gnomAD compares: Admixed American, 0.0039%; no homozygotes.

Submissions (3):

Labcorp Genetics (formerly Invitae), Labcorp
Classification: Uncertain significance for Epilepsy, familial focal, with variable foci 3. Last evaluated: 2025-07-15. Review status: criteria provided, single submitter. Criteria: Invitae Variant Classification Sherloc (09022015). Collection method: clinical testing. Allele origin: germline.
Comment: This sequence change replaces arginine, which is basic and polar, with cysteine, which is neutral and slightly polar, at codon 43 of the NPRL3 protein (p.Arg43Cys). The frequency data for this variant in the population databases is considered unreliable, as metrics indicate poor data quality at this position in the gnomAD database. This variant has not been reported in the literature in individuals affected with NPRL3-related conditions. ClinVar contains an entry for this variant (Variation ID: 1000061). Invitae Evidence Modeling of protein sequence and biophysical properties (such as structural, functional, and spatial information, amino acid conservation, physicochemical variation, residue mobility, and thermodynamic stability) indicates that this missense variant is not expected to disrupt NPRL3 protein function with a negative predictive value of 80%. In summary, the available evidence is currently insufficient to determine the role of this variant in disease. Therefore, it has been classified as a Variant of Uncertain Significance.

Ambry Genetics
Classification: Uncertain significance for Inborn genetic diseases. Last evaluated: 2025-01-15. Review status: criteria provided, single submitter. Criteria: Ambry Variant Classification Scheme 2023. Collection method: clinical testing. Allele origin: germline.

PreventionGenetics, part of Exact Sciences
Classification: Uncertain significance for NPRL3-related condition. Last evaluated: 2023-05-06. Review status: criteria provided, single submitter. Criteria: ACMG Guidelines, 2015. Collection method: clinical testing. Allele origin: germline.
Comment: The NPRL3 c.127C>T variant is predicted to result in the amino acid substitution p.Arg43Cys. To our knowledge, this variant has not been reported in the literature. This variant is reported in 0.0047% of alleles in individuals of European (Non-Finnish) descent in gnomAD. At this time, the clinical significance of this variant is uncertain due to the absence of conclusive functional and genetic evidence.